The following is an entry in ClinVar:

ClinVar aggregate classification (germline): Uncertain significance (1 of 4 stars; one submission).

Conditions:
Kabuki syndrome. Also called: NIIKAWA-KUROKI SYNDROME; Kabuki make-up syndrome. Identifiers: Orphanet 2322, MedGen C0796004, MONDO:0016512.

Allele frequency attached by ClinVar (database versions not stated): gnomAD exomes below 0.00001; TOPMed below 0.00001; gnomAD 0.00001.
gnomAD v4.1: 4 of 1,546,112 alleles (0.00026%); highest among the groups gnomAD compares: Non-Finnish European, 0.00035%; no homozygotes.

Submission:

Labcorp Genetics (formerly Invitae), Labcorp
Classification: Uncertain significance for Kabuki syndrome. Last evaluated: 2024-04-08. Review status: criteria provided, single submitter. Criteria: Invitae Variant Classification Sherloc (09022015). Collection method: clinical testing. Allele origin: germline.
Comment: This sequence change replaces valine, which is neutral and non-polar, with alanine, which is neutral and non-polar, at codon 4639 of the KMT2D protein (p.Val4639Ala). This variant is not present in population databases (gnomAD no frequency). This variant has not been reported in the literature in individuals affected with KMT2D-related conditions. ClinVar contains an entry for this variant (Variation ID: 2001441). Advanced modeling of protein sequence and biophysical properties (such as structural, functional, and spatial information, amino acid conservation, physicochemical variation, residue mobility, and thermodynamic stability) performed at Invitae indicates that this missense variant is not expected to disrupt KMT2D protein function with a negative predictive value of 95%. In summary, the available evidence is currently insufficient to determine the role of this variant in disease. Therefore, it has been classified as a Variant of Uncertain Significance.

NM_003482.4(KMT2D):c.13916T>C (p.Val4639Ala)

Gene: KMT2D (lysine methyltransferase 2D; minus strand). Cytogenetic location: 12q13.12.
Variant type: single nucleotide variant.
Coding change: c.13916T>C on transcript NM_003482.4 (MANE Select); coding-DNA position 13916, T replaced by C.
Protein change: p.Val4639Ala; replaces valine 4639 with alanine.
Molecular consequence: missense variant.
Genome position (GRCh38, 1-based): chr12:49,030,363, A>G on the plus strand (T>C on the coding strand, the complement: KMT2D is on the minus strand). VCF-style: chr12-49030363-A-G. GRCh37 (hg19) VCF-style: chr12-49424146-A-G.
Other names: short protein forms V4639A.
Identifiers: ClinVar variation 2001441 (VCV002001441.4), dbSNP rs1942836109, ClinGen allele CA384700722.